The following is an entry in ClinVar:

ClinVar aggregate classification (germline): Pathogenic (1 of 4 stars; one submission).
ClinVar aggregate classification (somatic clinical impact): Tier I - Strong (1 of 4 stars; one submission).

Conditions:
Neurofibromatosis, type 1 (NF1). Also called: NEUROFIBROMATOSIS, TYPE I, SOMATIC; Peripheral type neurofibromatosis; VON RECKLINGHAUSEN DISEASE; Neurofibromatosis, type I. Identifiers: Orphanet 636, MedGen C0027831, MONDO:0018975, OMIM 162200. Disease mechanism: loss of function.
IDH-wildtype glioblastoma. Identifiers: MedGen CN372125, MONDO:0850335.

Submissions (2):

Labcorp Genetics (formerly Invitae), Labcorp
Classification: Pathogenic for Neurofibromatosis, type 1. Last evaluated: 2024-04-22. Review status: criteria provided, single submitter. Criteria: Invitae Variant Classification Sherloc (09022015). Collection method: clinical testing. Allele origin: germline.
Comment: This sequence change creates a premature translational stop signal (p.Arg135Glyfs*30) in the NF1 gene. It is expected to result in an absent or disrupted protein product. Loss-of-function variants in NF1 are known to be pathogenic (PMID: 10712197, 23913538). This variant is not present in population databases (gnomAD no frequency). This premature translational stop signal has been observed in individual(s) with clinical features of NF1-related conditions (Invitae). ClinVar contains an entry for this variant (Variation ID: 840878). For these reasons, this variant has been classified as Pathogenic.

Institute for Genomic Medicine (IGM) Clinical Laboratory, Nationwide Children's Hospital
Classification: Tier I - Strong for IDH-wildtype glioblastoma. Assertion type: diagnostic. Clinical significance: supports diagnosis. Last evaluated: 2022-10-07. Review status: criteria provided, single submitter. Criteria: AMP/ASCO/CAP Guidelines, 2017. Collection method: clinical testing. Allele origin: somatic. Affected: yes.
Comment: Variant has Tier I (strong) clinical significance as a diagnostic inclusion criterion in IDH-wildtype glioblastoma, based on the following evidence: 1) Documented in one or more cancer databases (e.g., St. Jude Pecan, COSMIC, CIViC, OncoKB). 2) Appears in one or more well-established professional guidelines (e.g., World Health Organization [WHO]; National Comprehensive Cancer Network [NCCN]) as providing diagnostic, prognostic, or therapeutic information. 3) Information in the literature supports potential biologic effect of variant. 4) Diagnostic for a specific tumor type/classification based on well-powered studies with expert-level consensus (Evidence Level B; PMIDs: 18772396, 24120142, 29802247, 18772890, 26919320, 22286061).

Literature cited by the submitters: PubMed 10712197 (cited by Labcorp Genetics (formerly Invitae), Labcorp); PubMed 23913538 (cited by Labcorp Genetics (formerly Invitae), Labcorp); PubMed 18772396 (cited by Institute for Genomic Medicine (IGM) Clinical Laboratory, Nationwide Children's Hospital); PubMed 24120142 (cited by Institute for Genomic Medicine (IGM) Clinical Laboratory, Nationwide Children's Hospital); PubMed 29802247 (cited by Institute for Genomic Medicine (IGM) Clinical Laboratory, Nationwide Children's Hospital); PubMed 18772890 (cited by Institute for Genomic Medicine (IGM) Clinical Laboratory, Nationwide Children's Hospital); PubMed 26919320 (cited by Institute for Genomic Medicine (IGM) Clinical Laboratory, Nationwide Children's Hospital); PubMed 22286061 (cited by Institute for Genomic Medicine (IGM) Clinical Laboratory, Nationwide Children's Hospital).

NM_001042492.3(NF1):c.403del (p.Arg135fs)

Gene: NF1 (neurofibromin 1; plus strand). Cytogenetic location: 17q11.2.
Variant type: Deletion.
Coding change: c.403del on transcript NM_001042492.3 (MANE Select); coding-DNA position 403, one base deleted (C; older notation c.403delC).
Protein change: p.Arg135fs; shifts the reading frame from arginine 135.
Molecular consequence: frameshift variant.
Genome position (GRCh38, 1-based): chr17:31,163,300, C deleted. VCF-style (leftmost placement, unchanged base first): chr17-31163299-TC-T. GRCh37 (hg19) VCF-style: chr17-29490317-TC-T.
Other names: c.403delC, p.Arg135Glyfs (NM_000267.4); c.403del, p.Arg135fs (NM_001128147.3); short protein forms R135fs.
Identifiers: ClinVar variation 840878 (VCV000840878.4), dbSNP rs2065794400, ClinGen allele CA499200474.